The following is an entry in ClinVar:

ClinVar aggregate classification (germline): Pathogenic (1 of 4 stars; one submission).

Conditions:
Saethre-Chotzen syndrome (SCS). Also called: ACROCEPHALY, SKULL ASYMMETRY, AND MILD SYNDACTYLY; ACS III; CHOTZEN SYNDROME. Identifiers: Orphanet 794, MedGen C0175699, MONDO:0007042, OMIM 101400.
TWIST1-related craniosynostosis (CRS1). Also called: CRANIOSYNOSTOSIS 1. Identifiers: Orphanet 63440, MedGen C4551902, MONDO:0007399, OMIM 123100. Inheritance: Heterogenous inheritance pattern.

Submission:

Labcorp Genetics (formerly Invitae), Labcorp
Classification: Pathogenic for TWIST1-related craniosynostosis; Saethre-Chotzen syndrome. Last evaluated: 2025-10-14. Review status: criteria provided, single submitter. Criteria: Invitae Variant Classification Sherloc (09022015). Collection method: clinical testing. Allele origin: germline.
Comment: This sequence change creates a premature translational stop signal (p.Tyr160*) in the TWIST1 gene. It is expected to result in an absent or disrupted protein product. Loss-of-function variants in TWIST1 are known to be pathogenic (PMID: 10749989). This variant is not present in population databases (gnomAD no frequency). This premature translational stop signal has been observed in individual(s) with Saethre-Chotzen syndrome (PMID: 10649491). For these reasons, this variant has been classified as Pathogenic.

Literature cited by the submitters: PubMed 10749989; PubMed 10649491.

NM_000474.4(TWIST1):c.480C>G (p.Tyr160Ter)

Genes: TWIST1 (twist family bHLH transcription factor 1; minus strand), LOC129998021 (ATAC-STARR-seq lymphoblastoid active region 25682; plus strand). Cytogenetic location: 7p21.1.
Variant type: single nucleotide variant.
Coding change: c.480C>G on transcript NM_000474.4 (MANE Select); coding-DNA position 480, C replaced by G.
Protein change: p.Tyr160Ter; replaces tyrosine 160 with a stop codon.
Molecular consequence: nonsense. On other transcripts: non-coding transcript variant (1).
Genome position (GRCh38, 1-based): chr7:19,116,842, G>C on the plus strand (C>G on the coding strand, the complement: TWIST1 is on the minus strand). VCF-style: chr7-19116842-G-C. GRCh37 (hg19) VCF-style: chr7-19156465-G-C.
Other names: short protein forms Y160*.
Identifiers: ClinVar variation 4783655 (VCV004783655.1).
Genomic context (GRCh38, chr7:19,116,842, plus strand): 5'-GTGAGCCACATAGCTGCAGCTTGCCATCTTGGAGTCCAGCTCGTCGCTCTGGAGGACCTG[G>C]TAGAGGAAGTCGATGTACCTGGCCGCCAGCTTGAGGGTCTGAATCTTGCTCAGCTTGTCC-3'